The following is an entry in ClinVar:

NM_024649.5(BBS1):c.47+1G>T

Gene: BBS1 (Bardet-Biedl syndrome 1; plus strand). Cytogenetic location: 11q13.2.
Variant type: single nucleotide variant.
Coding change: c.47+1G>T on transcript NM_024649.5 (MANE Select); the canonical splice donor site of the intron after coding-DNA position 47, G replaced by T.
Molecular consequence: splice donor variant.
Genome position (GRCh38, 1-based): chr11:66,510,707, G>T. VCF-style: chr11-66510707-G-T. GRCh37 (hg19) VCF-style: chr11-66278178-G-T.
Identifiers: ClinVar variation 1324292 (VCV001324292.8), dbSNP rs1475257145, ClinGen allele CA381453388.

ClinVar aggregate classification (germline): Pathogenic/Likely pathogenic. Review status: criteria provided, multiple submitters, no conflicts (2 of 4 stars). 3 submissions from 3 submitters: Pathogenic (2); Likely pathogenic (1). Last evaluated 2024-01-05.

Conditions:
Bardet-Biedl syndrome (BBS). Identifiers: Orphanet 110, MedGen C0752166, MONDO:0015229.
Bardet-Biedl syndrome 1 (BBS1). Identifiers: MedGen C2936862, MONDO:0008854, OMIM 209900. Disease mechanism: loss of function.

Allele frequency attached by ClinVar (database versions not stated): gnomAD exomes below 0.00001 and 0.00001.
gnomAD v4.1: 4 of 1,614,194 alleles (0.00025%); highest among the groups gnomAD compares: South Asian, 0.0044%; no homozygotes.

Submissions (3):

Fulgent Genetics
Classification: Likely pathogenic for Bardet-Biedl syndrome 1. Last evaluated: 2024-01-05. Review status: criteria provided, single submitter. Criteria: ACMG Guidelines, 2015. Collection method: clinical testing. Allele origin: germline.

Labcorp Genetics (formerly Invitae), Labcorp
Classification: Pathogenic for Bardet-Biedl syndrome. Last evaluated: 2023-10-29. Review status: criteria provided, single submitter. Criteria: Invitae Variant Classification Sherloc (09022015). Collection method: clinical testing. Allele origin: germline.
Comment: This sequence change affects a donor splice site in intron 1 of the BBS1 gene. It is expected to disrupt RNA splicing. Variants that disrupt the donor or acceptor splice site typically lead to a loss of protein function (PMID: 16199547), and loss-of-function variants in BBS1 are known to be pathogenic (PMID: 12118255, 21520335, 27032803). This variant is present in population databases (no rsID available, gnomAD 0.003%). Disruption of this splice site has been observed in individual(s) with Bardet-Biedl syndrome (PMID: 23559858, 31964843). It has also been observed to segregate with disease in related individuals. ClinVar contains an entry for this variant (Variation ID: 1324292). Algorithms developed to predict the effect of sequence changes on RNA splicing suggest that this variant may disrupt the consensus splice site. For these reasons, this variant has been classified as Pathogenic.

Revvity Omics, Revvity
Classification: Pathogenic for Bardet-Biedl syndrome 1. Last evaluated: 2021-05-26. Review status: criteria provided, single submitter. Criteria: ACMG Guidelines, 2015. Collection method: clinical testing. Allele origin: germline.

Literature cited by the submitters: PubMed 16199547 (cited by Labcorp Genetics (formerly Invitae), Labcorp); PubMed 12118255 (cited by Labcorp Genetics (formerly Invitae), Labcorp); PubMed 21520335 (cited by Labcorp Genetics (formerly Invitae), Labcorp); PubMed 27032803 (cited by Labcorp Genetics (formerly Invitae), Labcorp); PubMed 23559858 (cited by Labcorp Genetics (formerly Invitae), Labcorp); PubMed 31964843 (cited by Labcorp Genetics (formerly Invitae), Labcorp).